The following is an entry in ClinVar:

ClinVar aggregate classification (germline): Likely benign. Review status: criteria provided, multiple submitters, no conflicts (2 of 4 stars). 3 submissions from 3 submitters: Likely benign (2). 1 of the submissions does not count toward it. Last evaluated 2025-12-30.

Conditions:
PALLD-related disorder. Also called: PALLD-related condition.
Pancreatic adenocarcinoma. Identifiers: MedGen C0281361, MONDO:0006047, HP:0006725.

Allele frequency attached by ClinVar (database versions not stated): gnomAD 0.00007; TOPMed 0.00007; gnomAD exomes 0.00014.
gnomAD v4.1: 25 of 1,447,608 alleles (0.0017%); highest among the groups gnomAD compares: East Asian, 0.073%; no homozygotes.

Submissions (3):

Labcorp Genetics (formerly Invitae), Labcorp
Classification: Likely benign for Pancreatic adenocarcinoma. Last evaluated: 2025-12-30. Review status: criteria provided, single submitter. Criteria: Invitae Variant Classification Sherloc (09022015). Collection method: clinical testing. Allele origin: germline.

Ambry Genetics
Classification: Likely benign. Last evaluated: 2024-07-29. Review status: criteria provided, single submitter. Criteria: Ambry Variant Classification Scheme 2023. Collection method: clinical testing. Allele origin: germline.

PreventionGenetics, part of Exact Sciences
Classification: Likely benign for PALLD-related condition. Last evaluated: 2023-07-19. Review status: no assertion criteria provided. Collection method: clinical testing. Allele origin: germline. Not counted in ClinVar's aggregate classification.
Comment: This variant is classified as likely benign based on ACMG/AMP sequence variant interpretation guidelines (Richards et al. 2015 PMID: 25741868, with internal and published modifications).

NM_001166108.2(PALLD):c.1965-12817C>T

Gene: PALLD (palladin, cytoskeletal associated protein; plus strand). Cytogenetic location: 4q32.3.
Variant type: single nucleotide variant.
Coding change: c.1965-12817C>T on transcript NM_001166108.2 (MANE Select); 12817 bases into the intron before coding-DNA position 1965, C replaced by T.
Molecular consequence: intron variant. On other transcripts: missense variant (1).
Genome position (GRCh38, 1-based): chr4:168,878,105, C>T. VCF-style: chr4-168878105-C-T. GRCh37 (hg19) VCF-style: chr4-169799256-C-T.
Other names: c.214C>T, p.Pro72Ser (NM_001166110.2); c.1965-12817C>T (NM_016081.4); c.819-12817C>T (NM_001166109.2); c.-157-12817C>T (NM_001367570.1, NM_001367568.1, NM_001367567.1 and 1 more transcripts); short protein forms P72S.
Identifiers: ClinVar variation 701571 (VCV000701571.15), dbSNP rs1211489449, ClinGen allele CA358795579.